The following is an entry in ClinVar:

ClinVar aggregate classification (germline): Conflicting classifications of pathogenicity. Review status: criteria provided, conflicting classifications (1 of 4 stars). 4 submissions from 4 submitters: Uncertain significance (1); Likely benign (2). 1 of the submissions does not count toward it. Last evaluated 2024-07-30.

Conditions:
OTOG-related disorder. Also called: OTOG-related condition.

Allele frequency attached by ClinVar (database versions not stated): ExAC below 0.00001; gnomAD 0.00011 and 0.00015; TOPMed 0.00013; 1000 Genomes Project 0.00020; 1000 Genomes Project 30x 0.00047.
gnomAD v4.1: 223 of 1,550,642 alleles (0.014%); highest among the groups gnomAD compares: East Asian, 0.52%; 1 homozygote.

Submissions (4):

Labcorp Genetics (formerly Invitae), Labcorp
Classification: Likely benign. Last evaluated: 2024-07-30. Review status: criteria provided, single submitter. Criteria: Invitae Variant Classification Sherloc (09022015). Collection method: clinical testing. Allele origin: germline.

Blueprint Genetics
Classification: Uncertain significance. Last evaluated: 2024-03-06. Review status: criteria provided, single submitter. Criteria: ACMG Guidelines, 2015. Collection method: clinical testing. Allele origin: germline.

Laboratory for Molecular Medicine, Mass General Brigham Personalized Medicine
Classification: Likely benign. Last evaluated: 2017-09-22. Review status: criteria provided, single submitter. Criteria: LMM Criteria. Collection method: clinical testing. Allele origin: germline. Observed: 1 variant allele.
Comment: p.Met273Ile in exon 7 of OTOG: This variant is not expected to have clinical sig nificance because it has been identified in 0.3% (34/11748) of East Asian chromo somes by the Genome Aggregation Database (gnomAD, rg; dbSNP rs118083195).

PreventionGenetics, part of Exact Sciences
Classification: Likely benign for OTOG-related condition. Last evaluated: 2022-10-24. Review status: no assertion criteria provided. Collection method: clinical testing. Allele origin: germline. Not counted in ClinVar's aggregate classification.
Comment: This variant is classified as likely benign based on ACMG/AMP sequence variant interpretation guidelines (Richards et al. 2015 PMID: 25741868, with internal and published modifications).

NM_001292063.2(OTOG):c.783G>T (p.Met261Ile)

Gene: OTOG (otogelin; plus strand). Cytogenetic location: 11p15.1.
Variant type: single nucleotide variant.
Coding change: c.783G>T on transcript NM_001292063.2 (MANE Select); coding-DNA position 783, G replaced by T.
Protein change: p.Met261Ile; replaces methionine 261 with isoleucine.
Molecular consequence: missense variant.
Genome position (GRCh38, 1-based): chr11:17,557,241, G>T. VCF-style: chr11-17557241-G-T. GRCh37 (hg19) VCF-style: chr11-17578788-G-T.
Other names: c.819G>T, p.Met273Ile (NM_001277269.2); short protein forms M273I, M261I.
Identifiers: ClinVar variation 504838 (VCV000504838.16), dbSNP rs118083195, ClinGen allele CA5905402.